The following is an entry in ClinVar:

NC_000011.9:g.(?_68682271)_(68685371_?)del

Gene: IGHMBP2 (immunoglobulin mu DNA binding protein 2; plus strand). Cytogenetic location: 11q13.3.
Variant type: Deletion.
Identifiers: ClinVar variation 3244645 (VCV003244645.1).

ClinVar aggregate classification (germline): Pathogenic (1 of 4 stars; one submission).

Conditions:
Autosomal recessive distal spinal muscular atrophy 1. Also called: HMN VI; NEURONOPATHY, SEVERE INFANTILE AXONAL, WITH RESPIRATORY FAILURE; SEVERE INFANTILE AXONAL NEUROPATHY WITH RESPIRATORY FAILURE; SPINAL MUSCULAR ATROPHY, DIAPHRAGMATIC; Spinal muscular atrophy with respiratory distress 1; NEURONOPATHY, DISTAL HEREDITARY MOTOR, HARDING TYPE VI. Identifiers: Orphanet 98920, MedGen C1858517, MONDO:0011436, OMIM 604320.
Charcot-Marie-Tooth disease axonal type 2S. Also called: CHARCOT-MARIE-TOOTH DISEASE, AXONAL, AUTOSOMAL RECESSIVE, TYPE 2S; CHARCOT-MARIE-TOOTH NEUROPATHY, TYPE 2S. Identifiers: Orphanet 443073, MedGen C4015349, MONDO:0014511, OMIM 616155.

Submission:

Labcorp Genetics (formerly Invitae), Labcorp
Classification: Pathogenic for Autosomal recessive distal spinal muscular atrophy 1; Charcot-Marie-Tooth disease axonal type 2S. Last evaluated: 2023-09-30. Review status: criteria provided, single submitter. Criteria: Invitae Variant Classification Sherloc (09022015). Collection method: clinical testing. Allele origin: unknown.
Comment: This variant is a gross deletion of the genomic region encompassing exon(s) 6-7 of the IGHMBP2 gene. This deletion is out-of-frame, and is expected to create a premature termination codon and result in an absent or disrupted protein product. Loss-of-function variants in IGHMBP2 are known to be pathogenic (PMID: 14681881, 25439726, 25568292). This variant has not been reported in the literature in individuals affected with IGHMBP2-related conditions. For these reasons, this variant has been classified as Pathogenic.

Literature cited by the submitters: PubMed 14681881; PubMed 25439726; PubMed 25568292.